The following is an entry in ClinVar:

ClinVar aggregate classification (germline): Uncertain significance. Review status: criteria provided, multiple submitters, no conflicts (2 of 4 stars). 5 submissions from 5 submitters: Uncertain significance (4). 1 of the submissions does not count toward it. Last evaluated 2023-01-17.

Conditions:
Hermansky-Pudlak syndrome 1 (HPS1). Also called: DELTA STORAGE POOL DISEASE. Identifiers: Orphanet 231500, Orphanet 79430, MedGen C2931875, MONDO:0008748, OMIM 203300.
Inborn genetic diseases. Identifiers: MedGen C0950123, MeSH D030342.
Hermansky-Pudlak syndrome (HPS). Also called: ALBINISM WITH HEMORRHAGIC DIATHESIS AND PIGMENTED RETICULOENDOTHELIAL CELLS. Identifiers: Orphanet 79430, MedGen C0079504, MONDO:0019312.

Allele frequency attached by ClinVar (database versions not stated): gnomAD 0.00005 and 0.00006; TOPMed 0.00006; 1000 Genomes Project 30x 0.00016.
gnomAD v4.1: 47 of 1,551,280 alleles (0.003%); highest among the groups gnomAD compares: African/African-American, 0.012%; no homozygotes.

Submissions (5):

Ambry Genetics
Classification: Uncertain significance for Inborn genetic diseases. Last evaluated: 2023-01-17. Review status: criteria provided, single submitter. Criteria: Ambry Variant Classification Scheme 2023. Collection method: clinical testing. Allele origin: germline.

Blueprint Genetics
Classification: Uncertain significance. Last evaluated: 2022-09-13. Review status: criteria provided, single submitter. Criteria: ACMG Guidelines, 2015. Collection method: clinical testing. Allele origin: germline.

Fulgent Genetics
Classification: Uncertain significance for Hermansky-Pudlak syndrome 1. Last evaluated: 2021-07-17. Review status: criteria provided, single submitter. Criteria: ACMG Guidelines, 2015. Collection method: clinical testing. Allele origin: unknown.

GeneDx
Classification: Uncertain significance. Last evaluated: 2021-04-07. Review status: criteria provided, single submitter. Criteria: GeneDx Variant Classification Process June 2021. Collection method: clinical testing. Allele origin: germline. Affected: yes.
Comment: In silico analysis supports that this missense variant does not alter protein structure/function; Has not been previously published as pathogenic or benign to our knowledge

Natera, Inc.
Classification: Uncertain significance for Hermansky-Pudlak syndrome. Last evaluated: 2020-04-24. Review status: no assertion criteria provided. Collection method: clinical testing. Allele origin: germline. Not counted in ClinVar's aggregate classification.

NM_000195.5(HPS1):c.970C>G (p.Pro324Ala)

Gene: HPS1 (HPS1 biogenesis of lysosomal organelles complex 3 subunit 1; minus strand). Cytogenetic location: 10q24.2.
Variant type: single nucleotide variant.
Coding change: c.970C>G on transcript NM_000195.5 (MANE Select); coding-DNA position 970, C replaced by G.
Protein change: p.Pro324Ala; replaces proline 324 with alanine.
Molecular consequence: missense variant. On other transcripts: 5 prime UTR variant (3).
Genome position (GRCh38, 1-based): chr10:98,427,232, G>C on the plus strand (C>G on the coding strand, the complement: HPS1 is on the minus strand). VCF-style: chr10-98427232-G-C. GRCh37 (hg19) VCF-style: chr10-100186989-G-C.
Other names: c.-3C>G (NM_001311345.2, NM_001322487.2, NM_001322489.2); c.970C>G, p.Pro324Ala (NM_001322476.2, NM_001322477.2); c.871C>G, p.Pro291Ala (NM_001322478.2, NM_001322479.2); c.709C>G, p.Pro237Ala (NM_001322480.2, NM_001322481.2); c.610C>G, p.Pro204Ala (NM_001322482.2); c.970C>G (NM_000195.3); c.601C>G, p.Pro201Ala (NM_001322483.2, NM_001322484.2); c.502C>G, p.Pro168Ala (NM_001322485.2); short protein forms P168A, P201A, P204A, P237A, P291A, P324A.
Identifiers: ClinVar variation 990840 (VCV000990840.7), dbSNP rs1055799878, ClinGen allele CA212764729.